The following is an entry in ClinVar:

ClinVar aggregate classification (germline): Likely pathogenic (1 of 4 stars; one submission).

Conditions:
Glycogen storage disease, type II (IOPD). Also called: Pompe Disease; CARDIOMEGALIA GLYCOGENICA DIFFUSA; GLYCOGENOSIS, GENERALIZED, CARDIAC FORM; GSD II; POMPE DISEASE, INFANTILE-ONSET; GLYCOGEN STORAGE DISEASE II, INFANTILE-ONSET. Identifiers: Orphanet 365, MedGen C0017921, MONDO:0009290, OMIM 232300.

Submission:

Genomenon, Inc
Classification: Likely pathogenic for Glycogen storage disease, type II. Last evaluated: 2026-07-01. Review status: criteria provided, single submitter. Criteria: Genomenon Sequence Variant Interpretation Standards - Updated. Collection method: curation. Allele origin: germline. Affected: yes.
Comment: GAA p.Gly483Trp (c.1447G>T) is a missense variant that changes the amino acid at codon 483 from Glycine to Tryptophan. This variant has been observed in at least one proband with a GAA-related disorder in the compound heterozygous and/or homozygous state (PMID:27711114;27764522). It is absent or not present at a significant frequency in gnomAD. In silico models predict that this variant is possibly or probably damaging. In conclusion, we classify GAA p.Gly483Trp (c.1447G>T) as a likely pathogenic variant.

Literature cited by the submitters: PubMed 27711114; PubMed 27764522.

NM_000152.5(GAA):c.1447G>T (p.Gly483Trp)

Gene: GAA (alpha glucosidase; plus strand). Cytogenetic location: 17q25.3.
Variant type: single nucleotide variant.
Coding change: c.1447G>T on transcript NM_000152.5 (MANE Select); coding-DNA position 1447, G replaced by T.
Protein change: p.Gly483Trp; replaces glycine 483 with tryptophan.
Molecular consequence: missense variant.
Genome position (GRCh38, 1-based): chr17:80,110,736, G>T. VCF-style: chr17-80110736-G-T. GRCh37 (hg19) VCF-style: chr17-78084535-G-T.
Other names: c.1447G>T, p.Gly483Trp (NM_001079803.3, NM_001079804.3, NM_001406741.1 and 1 more transcripts); short protein forms G483W.
Identifiers: ClinVar variation 4876513 (VCV004876513.1).